The following is an entry in ClinVar:

NM_000059.4(BRCA2):c.6528_6535dup

Gene: BRCA2 (BRCA2 DNA repair associated; plus strand). Cytogenetic location: 13q13.1.
Variant type: Duplication.
Coding change: c.6528_6535dup on transcript NM_000059.4 (MANE Select); coding-DNA positions 6528 to 6535, 8 bases duplicated (CATTCATG; older notation c.6528_6535dupCATTCATG).
Genome position (GRCh38, 1-based): chr13:32,340,883-32,340,890, CATTCATG duplicated. VCF-style (leftmost placement, unchanged base first): chr13-32340882-A-ACATTCATG. GRCh37 (hg19) VCF-style: chr13-32915019-A-ACATTCATG.
Other names: 6756dupCATTCATG; c.6528_6535dup, p.Val2179fs (LRG_293t1).
Identifiers: ClinVar variation 266957 (VCV000266957.10), dbSNP rs1555284738, ClinGen allele CA10589386.

ClinVar aggregate classification (germline): Pathogenic. Review status: reviewed by expert panel (3 of 4 stars). 5 submissions from 5 submitters: Pathogenic (1). 4 of the submissions do not count toward it. Last evaluated 2016-10-18.

Conditions:
Breast-ovarian cancer, familial, susceptibility to, 2 (BROVCA2). Also called: BRCA2 Hereditary Breast and Ovarian Cancer. Identifiers: Orphanet 145, MedGen C2675520, MONDO:0012933, OMIM 612555. Disease mechanism: loss of function.
Familial cancer of breast. Also called: hereditary breast carcinoma; BREAST CANCER, FAMILIAL; Hereditary breast cancer. Identifiers: Orphanet 227535, MedGen C0346153, MONDO:0016419, OMIM 114480. Disease mechanism: loss of function.
Hereditary breast ovarian cancer syndrome. Also called: BRCA1- and BRCA2-Associated Hereditary Breast and Ovarian Cancer; Hereditary breast and ovarian cancer; Breast and ovarian cancer; Hereditary breast and/or ovarian cancer syndrome; Hereditary breast and ovarian cancer syndrome; Hereditary breast and ovarian cancer syndrome (HBOC). Identifiers: Orphanet 145, MedGen C0677776, MeSH D061325, MONDO:0003582. Disease mechanism: loss of function.

Allele frequency attached by ClinVar (database versions not stated): gnomAD exomes below 0.00001.

Submissions (5):

Evidence-based Network for the Interpretation of Germline Mutant Alleles (ENIGMA)
Classification: Pathogenic for Breast-ovarian cancer, familial, susceptibility to, 2. Last evaluated: 2016-10-18. Review status: reviewed by expert panel. Criteria: ENIGMA BRCA1/2 Classification Criteria (2015). Collection method: curation. Allele origin: germline.
Comment: Variant allele predicted to encode a truncated non-functional protein.

Baylor Genetics
Classification: Likely pathogenic for Familial cancer of breast. Last evaluated: 2021-12-23. Review status: criteria provided, single submitter. Criteria: ACMG Guidelines, 2015. Collection method: clinical testing. Allele origin: unknown. Not counted in ClinVar's aggregate classification.

Labcorp Genetics (formerly Invitae), Labcorp
Classification: Pathogenic for Hereditary breast ovarian cancer syndrome. Last evaluated: 2021-06-08. Review status: criteria provided, single submitter. Criteria: Invitae Variant Classification Sherloc (09022015). Collection method: clinical testing. Allele origin: germline. Not counted in ClinVar's aggregate classification.
Comment: This sequence change creates a premature translational stop signal (p.Val2179Alafs*15) in the BRCA2 gene. It is expected to result in an absent or disrupted protein product. Loss-of-function variants in BRCA2 are known to be pathogenic (PMID: 20104584). This variant is not present in population databases (ExAC no frequency). This variant has not been reported in the literature in individuals with BRCA2-related conditions. ClinVar contains an entry for this variant (Variation ID: 266957). For these reasons, this variant has been classified as Pathogenic.

Department of Pathology and Molecular Medicine, Queen's University
Classification: Pathogenic for Hereditary breast ovarian cancer syndrome. Last evaluated: 2017-04-20. Review status: criteria provided, single submitter. Criteria: ACMG Guidelines, 2015. Collection method: clinical testing. Allele origin: germline. Study: The Canadian Open Genetics Repository (COGR). Not counted in ClinVar's aggregate classification.

Consortium of Investigators of Modifiers of BRCA1/2 (CIMBA), c/o University of Cambridge
Classification: Pathogenic for Breast-ovarian cancer, familial, susceptibility to, 2. Last evaluated: 2015-10-02. Review status: criteria provided, single submitter. Criteria: CIMBA Mutation Classification guidelines May 2016. Collection method: clinical testing. Allele origin: germline. Not counted in ClinVar's aggregate classification.

Literature cited by the submitters: PubMed 20104584 (cited by Labcorp Genetics (formerly Invitae), Labcorp).